The following is an entry in ClinVar:

ClinVar aggregate classification (germline): Benign/Likely benign. Review status: criteria provided, multiple submitters, no conflicts (2 of 4 stars). 8 submissions from 8 submitters: Benign (7); Likely benign (1). Last evaluated 2026-02-04.

Conditions:
Centromeric instability of chromosomes 1,9 and 16 and immunodeficiency (ICF1). Also called: IMMUNE DEFICIENCY, VARIABLE, WITH CENTROMERIC INSTABILITY OF CHROMOSOMES 1, 9, AND 16; IMMUNODEFICIENCY SYNDROME, VARIABLE; CENTROMERIC INSTABILITY, IMMUNODEFICIENCY SYNDROME; Immunodeficiency-centromeric instability-facial anomalies. Identifiers: Orphanet 2268, MedGen C0398788, MONDO:0000133.
Immunodeficiency-centromeric instability-facial anomalies syndrome 1 (ICF1). Identifiers: Orphanet 2268, MedGen C4551557, MONDO:0009454, OMIM 242860.

Allele frequency attached by ClinVar (database versions not stated): ESP Exome Variant Server 0.53398; gnomAD 0.55509 and 0.56185; TOPMed 0.58027; 1000 Genomes Project 30x 0.70550; 1000 Genomes Project 0.71406.
gnomAD v4.1: 803,680 of 1,613,836 alleles (50%); highest among the groups gnomAD compares: East Asian, 100%; 212,830 homozygotes.

Submissions (9):

Labcorp Genetics (formerly Invitae), Labcorp
Classification: Benign for Centromeric instability of chromosomes 1,9 and 16 and immunodeficiency. Last evaluated: 2026-02-04. Review status: criteria provided, single submitter. Criteria: Invitae Variant Classification Sherloc (09022015). Collection method: clinical testing. Allele origin: germline.

Blueprint Genetics
Classification: Likely benign. Last evaluated: 2024-11-28. Review status: criteria provided, single submitter. Criteria: ACMG Guidelines, 2015. Collection method: clinical testing. Allele origin: germline.

Mayo Clinic Laboratories, Mayo Clinic
Classification: Benign. Last evaluated: 2022-09-06. Review status: criteria provided, single submitter. Criteria: ACMG Guidelines, 2015. Collection method: clinical testing. Allele origin: germline. Observed: 65 variant alleles.

Genome-Nilou Lab
Classification: Benign for Immunodeficiency-centromeric instability-facial anomalies syndrome 1. Last evaluated: 2021-07-30. Review status: criteria provided, single submitter. Criteria: ACMG Guidelines, 2015. Collection method: clinical testing. Allele origin: germline. Affected: no.

GeneDx
Classification: Benign. Last evaluated: 2019-06-11. Review status: criteria provided, single submitter. Criteria: GeneDx Variant Classification Process June 2021. Collection method: clinical testing. Allele origin: germline. Affected: yes.

Illumina Laboratory Services, Illumina
Classification: Benign for Immunodeficiency-centromeric instability-facial anomalies syndrome 1. Last evaluated: 2018-01-13. Review status: criteria provided, single submitter. Criteria: ICSL Variant Classification Criteria 13 December 2019. Collection method: clinical testing. Allele origin: germline.
Comment: This variant was observed in the ICSL laboratory as part of a predisposition screen in an ostensibly healthy population. It had not been previously curated by ICSL or reported in the Human Gene Mutation Database (HGMD: prior to June 1st, 2018), and was therefore a candidate for classification through an automated scoring system. Utilizing variant allele frequency, disease prevalence and penetrance estimates, and inheritance mode, an automated score was calculated to assess if this variant is too frequent to cause the disease. Based on the score and internal cut-off values, a variant classified as benign is not then subjected to further curation. The score for this variant resulted in a classification of benign for this disease.

Laboratory for Molecular Medicine, Mass General Brigham Personalized Medicine
Classification: Benign. Last evaluated: 2016-03-29. Review status: criteria provided, single submitter. Criteria: LMM Criteria. Collection method: clinical testing. Allele origin: germline.
Comment: Variant identified in a genome or exome case(s) and assessed due to predicted null impact of the variant or pathogenic assertions in the literature or databases. Disclaimer: This variant has not undergone full assessment. The following are preliminary notes: Frequency

Breakthrough Genomics
Classification: Benign. Review status: criteria provided, single submitter. Criteria: ACMG Guidelines, 2015. Collection method: not provided. Allele origin: germline. Inheritance: Autosomal recessive inheritance. Affected: yes.

Dr. Peter K. Rogan Lab, Western University
No classification provided (evidence only). Condition: Familial cancer of breast. Review status: no classification provided. Collection method: in vitro. Allele origin: not applicable. Functional consequence: retained intron. Not counted in ClinVar's aggregate classification.

NM_006892.4(DNMT3B):c.1760-5C>G

Gene: DNMT3B (DNA methyltransferase 3 beta; plus strand). Cytogenetic location: 20q11.21.
Variant type: single nucleotide variant.
Coding change: c.1760-5C>G on transcript NM_006892.4 (MANE Select); 5 bases into the intron before coding-DNA position 1760, C replaced by G.
Molecular consequence: intron variant.
Genome position (GRCh38, 1-based): chr20:32,800,148, C>G. VCF-style: chr20-32800148-C-G. GRCh37 (hg19) VCF-style: chr20-31387954-C-G.
Other names: p.?; c.1700-5C>G (NM_175848.2, NM_175849.2); c.1574-5C>G (NM_001207055.2); c.1472-5C>G (NM_001207056.2); c.1736-5C>G (NM_175850.3).
Identifiers: ClinVar variation 338175 (VCV000338175.26), dbSNP rs1997797, ClinGen allele CA9810709.